The following is an entry in ClinVar:

NM_020461.4(TUBGCP6):c.1984-3C>T

Gene: TUBGCP6 (tubulin gamma complex component 6; minus strand). Cytogenetic location: 22q13.33.
Variant type: single nucleotide variant.
Coding change: c.1984-3C>T on transcript NM_020461.4 (MANE Select); 3 bases into the intron before coding-DNA position 1984, C replaced by T.
Molecular consequence: intron variant.
Genome position (GRCh38, 1-based): chr22:50,224,595, G>A on the plus strand (C>T on the coding strand, the complement: TUBGCP6 is on the minus strand). VCF-style: chr22-50224595-G-A. GRCh37 (hg19) VCF-style: chr22-50663024-G-A.
Identifiers: ClinVar variation 842715 (VCV000842715.8), dbSNP rs757589346, ClinGen allele CA10308407.

ClinVar aggregate classification (germline): Conflicting classifications of pathogenicity. Review status: criteria provided, conflicting classifications (1 of 4 stars). 2 submissions from 2 submitters: Uncertain significance (1); Likely benign (1). Last evaluated 2022-10-05.

Allele frequency attached by ClinVar (database versions not stated): gnomAD 0.00001; gnomAD exomes 0.00001 and 0.00005; TOPMed 0.00001; ExAC 0.00002.
gnomAD v4.1: 16 of 1,613,478 alleles (0.00099%); highest among the groups gnomAD compares: Admixed American, 0.023%; no homozygotes.

Submissions (2):

Labcorp Genetics (formerly Invitae), Labcorp
Classification: Uncertain significance. Last evaluated: 2022-10-05. Review status: criteria provided, single submitter. Criteria: Invitae Variant Classification Sherloc (09022015). Collection method: clinical testing. Allele origin: germline.
Comment: This sequence change falls in intron 10 of the TUBGCP6 gene. It does not directly change the encoded amino acid sequence of the TUBGCP6 protein. It affects a nucleotide within the consensus splice site. This variant is present in population databases (rs757589346, gnomAD 0.04%). This variant has not been reported in the literature in individuals affected with TUBGCP6-related conditions. ClinVar contains an entry for this variant (Variation ID: 842715). Variants that disrupt the consensus splice site are a relatively common cause of aberrant splicing (PMID: 17576681, 9536098). Algorithms developed to predict the effect of sequence changes on RNA splicing suggest that this variant is not likely to affect RNA splicing. In summary, the available evidence is currently insufficient to determine the role of this variant in disease. Therefore, it has been classified as a Variant of Uncertain Significance.

Blueprint Genetics
Classification: Likely benign. Last evaluated: 2020-03-18. Review status: criteria provided, single submitter. Criteria: ACMG Guidelines, 2015. Collection method: clinical testing. Allele origin: germline.

Literature cited by the submitters: PubMed 17576681 (cited by Labcorp Genetics (formerly Invitae), Labcorp); PubMed 9536098 (cited by Labcorp Genetics (formerly Invitae), Labcorp).